The following is an entry in ClinVar:

NM_004628.5(XPC):c.900+1G>A

Gene: XPC (XPC complex subunit, DNA damage recognition and repair factor; minus strand). Cytogenetic location: 3p25.1.
Variant type: single nucleotide variant.
Coding change: c.900+1G>A on transcript NM_004628.5 (MANE Select); the canonical splice donor site of the intron after coding-DNA position 900, G replaced by A.
Molecular consequence: splice donor variant.
Genome position (GRCh38, 1-based): chr3:14,164,812, C>T on the plus strand (G>A on the coding strand, the complement: XPC is on the minus strand). VCF-style: chr3-14164812-C-T. GRCh37 (hg19) VCF-style: chr3-14206312-C-T.
Other names: c.882+1G>A (NM_001354729.2); c.321+1G>A (NM_001354726.2); c.900+1G>A (NM_001354730.2, NM_001354727.2).
Identifiers: ClinVar variation 1517187 (VCV001517187.9), dbSNP rs2125035588, ClinGen allele CA351541620.

ClinVar aggregate classification (germline): Likely pathogenic. Review status: criteria provided, multiple submitters, no conflicts (2 of 4 stars). 2 submissions from 2 submitters: Likely pathogenic (2). Last evaluated 2026-08-24.

Conditions:
Xeroderma pigmentosum, group C (XPC). Also called: Xeroderma pigmentosum, complementation group C; XPC-Related Xeroderma Pigmentosum; XERODERMA PIGMENTOSUM III; XP, GROUP C. Identifiers: Orphanet 910, MedGen C2752147, MONDO:0010211, OMIM 278720.

Allele frequency attached by ClinVar (database versions not stated): gnomAD exomes below 0.00001.
gnomAD v4.1: 1 of 1,613,020 alleles (0.000062%); highest among the groups gnomAD compares: Non-Finnish European, 0.000085%; no homozygotes.

Submissions (2):

Myriad Genetics, Inc.
Classification: Likely pathogenic for Xeroderma pigmentosum, group C. Last evaluated: 2026-08-24. Review status: criteria provided, single submitter. Criteria: Myriad Autosomal Dominant, Autosomal Recessive and X-Linked Classification Criteria (2023). Collection method: clinical testing. Allele origin: unknown.
Comment: NM_004628.4(XPC):c.900+1G>A is a variant in a canonical splice site classified as likely pathogenic in the context of xeroderma pigmentosum group C. c.900+1G>A has not been observed in cases with relevant disease. Relevant functional assessments of this variant are not available in the literature. c.900+1G>A has not been observed in referenced population frequency databases. In summary, NM_004628.4(XPC):c.900+1G>A is a variant in a canonical splice site in a gene where loss of function is a known mechanism of disease and is predicted to disrupt protein function. Please note: this variant was assessed in the context of healthy population screening.

Labcorp Genetics (formerly Invitae), Labcorp
Classification: Likely pathogenic. Last evaluated: 2021-03-20. Review status: criteria provided, single submitter. Criteria: Invitae Variant Classification Sherloc (09022015). Collection method: clinical testing. Allele origin: germline.
Comment: This variant has not been reported in the literature in individuals with XPC-related conditions. In summary, the currently available evidence indicates that the variant is pathogenic, but additional data are needed to prove that conclusively. Therefore, this variant has been classified as Likely Pathogenic. Algorithms developed to predict the effect of sequence changes on RNA splicing suggest that this variant may disrupt the consensus splice site, but this prediction has not been confirmed by published transcriptional studies. This variant is not present in population databases (ExAC no frequency). This sequence change affects a donor splice site in intron 7 of the XPC gene. It is expected to disrupt RNA splicing. Variants that disrupt the donor or acceptor splice site typically lead to a loss of protein function (PMID: 16199547), and loss-of-function variants in XPC are known to be pathogenic (PMID: 23173980, 25256075).

Literature cited by the submitters: PubMed 16199547 (cited by Labcorp Genetics (formerly Invitae), Labcorp); PubMed 23173980 (cited by Labcorp Genetics (formerly Invitae), Labcorp); PubMed 25256075 (cited by Labcorp Genetics (formerly Invitae), Labcorp).